The following is an entry in ClinVar:

NM_032193.4(RNASEH2C):c.*572C>T

Genes: KAT5 (lysine acetyltransferase 5; plus strand), RNASEH2C (ribonuclease H2 subunit C; minus strand). Cytogenetic location: 11q13.1.
Variant type: single nucleotide variant.
Coding change: c.*572C>T on transcript NM_032193.4 (MANE Select); 572 bases downstream of the stop codon, C replaced by T.
Molecular consequence: 3 prime UTR variant.
Genome position (GRCh38, 1-based): chr11:65,719,211, G>A on the plus strand (C>T on the coding strand, the complement: RNASEH2C is on the minus strand). VCF-style: chr11-65719211-G-A. GRCh37 (hg19) VCF-style: chr11-65486682-G-A.
Other names: c.*30G>A (NM_001206833.2, NM_006388.4, NM_182709.3 and 1 more transcripts).
Identifiers: ClinVar variation 880429 (VCV000880429.5), dbSNP rs200332583, ClinGen allele CA6107575.

ClinVar aggregate classification (germline): Benign. Review status: criteria provided, multiple submitters, no conflicts (2 of 4 stars). 2 submissions from 2 submitters: Benign (2). Last evaluated 2018-01-12.

Conditions:
Aicardi-Goutieres syndrome 3. Identifiers: Orphanet 51, MedGen C1835916, MONDO:0012471, OMIM 610329.

Allele frequency attached by ClinVar (database versions not stated): gnomAD 0.00002 and 0.00062; TOPMed 0.00016; gnomAD exomes 0.00112 and 0.00217; ExAC 0.00244; 1000 Genomes Project 30x 0.00531; 1000 Genomes Project 0.00599.
gnomAD v4.1: 1,740 of 1,609,700 alleles (0.11%); highest among the groups gnomAD compares: South Asian, 1.8%; 28 homozygotes.

Submissions (2):

Illumina Laboratory Services, Illumina
Classification: Benign for Aicardi-Goutieres syndrome 3. Last evaluated: 2018-01-12. Review status: criteria provided, single submitter. Criteria: ICSL Variant Classification Criteria 13 December 2019. Collection method: clinical testing. Allele origin: germline.
Comment: This variant was observed in the ICSL laboratory as part of a predisposition screen in an ostensibly healthy population. It had not been previously curated by ICSL or reported in the Human Gene Mutation Database (HGMD: prior to June 1st, 2018), and was therefore a candidate for classification through an automated scoring system. Utilizing variant allele frequency, disease prevalence and penetrance estimates, and inheritance mode, an automated score was calculated to assess if this variant is too frequent to cause the disease. Based on the score and internal cut-off values, a variant classified as benign is not then subjected to further curation. The score for this variant resulted in a classification of benign for this disease.

Breakthrough Genomics
Classification: Benign. Review status: criteria provided, single submitter. Criteria: ACMG Guidelines, 2015. Collection method: not provided. Allele origin: germline. Inheritance: Autosomal recessive inheritance. Affected: yes.